The following is an entry in ClinVar:

ClinVar aggregate classification (germline): Uncertain significance (1 of 4 stars; one submission).

Submission:

GeneDx
Classification: Uncertain significance. Last evaluated: 2024-10-16. Review status: criteria provided, single submitter. Criteria: GeneDx Variant Classification Process June 2021. Collection method: clinical testing. Allele origin: germline. Affected: yes.
Comment: Not observed at significant frequency in large population cohorts (gnomAD); In silico analysis supports that this missense variant has a deleterious effect on protein structure/function; Has not been previously published as pathogenic or benign to our knowledge

NM_007325.5(GRIA3):c.1558G>A (p.Asp520Asn)

Gene: GRIA3 (glutamate ionotropic receptor AMPA type subunit 3; plus strand). Cytogenetic location: Xq25.
Variant type: single nucleotide variant.
Coding change: c.1558G>A on transcript NM_007325.5 (MANE Select); coding-DNA position 1558, G replaced by A.
Protein change: p.Asp520Asn; replaces aspartic acid 520 with asparagine.
Molecular consequence: missense variant.
Genome position (GRCh38, 1-based): chrX:123,417,459, G>A. VCF-style: chrX-123417459-G-A. GRCh37 (hg19) VCF-style: chrX-122551310-G-A.
Other names: c.1558G>A, p.Asp520Asn (NM_000828.5); short protein forms D520N.
Identifiers: ClinVar variation 3781237 (VCV003781237.1).
Genomic context (GRCh38, chrX:123,417,459, plus strand): 5'-CAGAGAGCTGATATAGCTGTTGCTCCACTCACTATAACATTGGTCCGTGAAGAAGTCATA[G>A]ATTTTTCAAAGCCATTCATGAGCCTGGGCATCTCCATCATGATAAAGAAGCCTCAGAAAT-3'
Protein context (NP_015564.5, residues 510-530): TITLVREEVI[Asp520Asn]FSKPFMSLGI